The following is an entry in ClinVar:

NM_002382.5(MAX):c.417C>G (p.Asp139Glu)

Gene: MAX (MYC associated transcriptional regulator X; minus strand). Cytogenetic location: 14q23.3.
Variant type: single nucleotide variant.
Coding change: c.417C>G on transcript NM_002382.5 (MANE Select); coding-DNA position 417, C replaced by G.
Protein change: p.Asp139Glu; replaces aspartic acid 139 with glutamic acid.
Molecular consequence: missense variant. On other transcripts: 3 prime UTR variant (1), intron variant (2).
Genome position (GRCh38, 1-based): chr14:65,076,542, G>C on the plus strand (C>G on the coding strand, the complement: MAX is on the minus strand). VCF-style: chr14-65076542-G-C. GRCh37 (hg19) VCF-style: chr14-65543260-G-C.
Other names: c.228C>G, p.Asp76Glu (NM_001320415.2, NM_001407105.1, NM_001407106.1 and 1 more transcripts); c.417C>G, p.Asp139Glu (NM_001407094.1); c.390C>G, p.Asp130Glu (NM_001407095.1, NM_145112.3); c.*190C>G (NM_001407096.1, NM_001407099.1, NM_001407102.1 and 2 more transcripts); c.*206C>G (NM_001407097.1, NM_001407100.1, NM_001407101.1 and 4 more transcripts); c.309C>G, p.Asp103Glu (NM_001407098.1); c.216C>G, p.Asp72Glu (NM_001407111.1, NM_001407112.1); c.144+17166C>G (NM_001271069.2); and 1 more; short protein forms D76E, D130E, D139E, D103E, D72E.
Identifiers: ClinVar variation 1402174 (VCV001402174.12), dbSNP rs2139739918, ClinGen allele CA390031438.

ClinVar aggregate classification (germline): Uncertain significance. Review status: criteria provided, multiple submitters, no conflicts (2 of 4 stars). 3 submissions from 3 submitters: Uncertain significance (3). Last evaluated 2025-05-19.

Conditions:
Hereditary pheochromocytoma and paraganglioma. Also called: Hereditary paragangliomas and pheochromocytomas; Hereditary Paraganglioma-Pheochromocytoma Syndromes; Hereditary pheochromocytoma-paraganglioma. Identifiers: Orphanet 29072, MedGen C4274332, MONDO:0017366.
Pheochromocytoma. Also called: MAX-Related Hereditary Paraganglioma-Pheochromocytoma Syndrome. Identifiers: Orphanet 29072, MedGen C0031511, MONDO:0008233, OMIM 171300, HP:0002666.
Hereditary cancer-predisposing syndrome. Also called: Tumor predisposition; Hereditary Cancer Syndrome; Hereditary neoplastic syndrome; Neoplastic Syndromes, Hereditary. Identifiers: Orphanet 140162, MedGen C0027672, MeSH D009386, MONDO:0015356.

Submissions (3):

Ambry Genetics
Classification: Uncertain significance for Hereditary cancer-predisposing syndrome. Last evaluated: 2025-05-19. Review status: criteria provided, single submitter. Criteria: Ambry Variant Classification Scheme 2023. Collection method: clinical testing. Allele origin: germline.
Comment: The p.D139E variant (also known as c.417C>G), located in coding exon 5 of the MAX gene, results from a C to G substitution at nucleotide position 417. The aspartic acid at codon 139 is replaced by glutamic acid, an amino acid with highly similar properties. This amino acid position is conserved. In addition, the in silico prediction for this alteration is inconclusive. Since supporting evidence is limited at this time, the clinical significance of this alteration remains unclear.

Labcorp Genetics (formerly Invitae), Labcorp
Classification: Uncertain significance for Hereditary pheochromocytoma and paraganglioma. Last evaluated: 2024-10-29. Review status: criteria provided, single submitter. Criteria: Invitae Variant Classification Sherloc (09022015). Collection method: clinical testing. Allele origin: germline.
Comment: This sequence change replaces aspartic acid, which is acidic and polar, with glutamic acid, which is acidic and polar, at codon 139 of the MAX protein (p.Asp139Glu). This variant is not present in population databases (gnomAD no frequency). This variant has not been reported in the literature in individuals affected with MAX-related conditions. ClinVar contains an entry for this variant (Variation ID: 1402174). An algorithm developed to predict the effect of missense changes on protein structure and function (PolyPhen-2) suggests that this variant is likely to be disruptive. In summary, the available evidence is currently insufficient to determine the role of this variant in disease. Therefore, it has been classified as a Variant of Uncertain Significance.

Baylor Genetics
Classification: Uncertain significance for Pheochromocytoma. Last evaluated: 2024-01-26. Review status: criteria provided, single submitter. Criteria: ACMG Guidelines, 2015. Collection method: clinical testing. Allele origin: unknown.